The following is an entry in ClinVar:

NM_152617.4(RNF168):c.1548C>G (p.Asp516Glu)

Gene: RNF168 (ring finger protein 168; minus strand). Cytogenetic location: 3q29.
Variant type: single nucleotide variant.
Coding change: c.1548C>G on transcript NM_152617.4 (MANE Select); coding-DNA position 1548, C replaced by G.
Protein change: p.Asp516Glu; replaces aspartic acid 516 with glutamic acid.
Molecular consequence: missense variant.
Genome position (GRCh38, 1-based): chr3:196,471,987, G>C on the plus strand (C>G on the coding strand, the complement: RNF168 is on the minus strand). VCF-style: chr3-196471987-G-C. GRCh37 (hg19) VCF-style: chr3-196198858-G-C.
Other names: short protein forms D516E.
Identifiers: ClinVar variation 1513775 (VCV001513775.6), dbSNP rs754925197, ClinGen allele CA2780635.

ClinVar aggregate classification (germline): Uncertain significance (1 of 4 stars; one submission).

Allele frequency attached by ClinVar (database versions not stated): gnomAD exomes 0.00001 and 0.00002; ExAC 0.00002.

Submission:

Labcorp Genetics (formerly Invitae), Labcorp
Classification: Uncertain significance. Last evaluated: 2021-10-11. Review status: criteria provided, single submitter. Criteria: Invitae Variant Classification Sherloc (09022015). Collection method: clinical testing. Allele origin: germline.
Comment: This sequence change replaces aspartic acid with glutamic acid at codon 516 of the RNF168 protein (p.Asp516Glu). The aspartic acid residue is weakly conserved and there is a small physicochemical difference between aspartic acid and glutamic acid. This variant is present in population databases (rs754925197, ExAC 0.01%). This variant has not been reported in the literature in individuals affected with RNF168-related conditions. Algorithms developed to predict the effect of missense changes on protein structure and function (SIFT, PolyPhen-2, Align-GVGD) all suggest that this variant is likely to be tolerated. In summary, the available evidence is currently insufficient to determine the role of this variant in disease. Therefore, it has been classified as a Variant of Uncertain Significance.